The following is an entry in ClinVar:

NM_000475.5(NR0B1):c.1258C>T (p.Gln420Ter)

Gene: NR0B1 (nuclear receptor subfamily 0 group B member 1; minus strand). Cytogenetic location: Xp21.2.
Variant type: single nucleotide variant.
Coding change: c.1258C>T on transcript NM_000475.5 (MANE Select); coding-DNA position 1258, C replaced by T.
Protein change: p.Gln420Ter; replaces glutamine 420 with a stop codon.
Molecular consequence: nonsense.
Genome position (GRCh38, 1-based): chrX:30,304,734, G>A on the plus strand (C>T on the coding strand, the complement: NR0B1 is on the minus strand). VCF-style: chrX-30304734-G-A. GRCh37 (hg19) VCF-style: chrX-30322851-G-A.
Other names: short protein forms Q420*.
Identifiers: ClinVar variation 4855493 (VCV004855493.1).

ClinVar aggregate classification (germline): Likely pathogenic (1 of 4 stars; one submission).

Conditions:
Congenital adrenal hypoplasia, X-linked (AHC). Also called: X-linked AHC; X-Linked Adrenal Hypoplasia Congenita; ADRENAL HYPOPLASIA, CONGENITAL, WITH HYPOGONADOTROPIC HYPOGONADISM; Isolated X-Linked Adrenal Hypoplasia Congenita. Identifiers: Orphanet 95702, MedGen C0342482, MONDO:0010264, OMIM 300200. Disease mechanism: loss of function.

Submission:

3billion
Classification: Likely pathogenic for Congenital adrenal hypoplasia, X-linked. Last evaluated: 2025-10-01. Review status: criteria provided, single submitter. Criteria: ACMG Guidelines, 2015. Collection method: clinical testing. Allele origin: germline. Affected: yes.
Comment: The variant is not observed in the gnomAD v4.1.0 dataset. Predicted Consequence/Location: Stop-gained (nonsense): predicted to result in a loss or disruption of normal protein function through protein truncation. The predicted truncated protein may be shortened by more than 10%. The variant has been reported to be associated with NR0B1-related disorder (PMID: 9709929). Therefore, this variant is classified as Likely pathogenic according to the recommendation of ACMG/AMP guideline.

Literature cited by the submitters: PubMed 9709929.